The following is an entry in ClinVar:

NM_006231.4(POLE):c.2559T>G (p.Ile853Met)

Gene: POLE (DNA polymerase epsilon, catalytic subunit; minus strand). Cytogenetic location: 12q24.33.
Variant type: single nucleotide variant.
Coding change: c.2559T>G on transcript NM_006231.4 (MANE Select); coding-DNA position 2559, T replaced by G.
Protein change: p.Ile853Met; replaces isoleucine 853 with methionine.
Molecular consequence: missense variant.
Genome position (GRCh38, 1-based): chr12:132,664,372, A>C on the plus strand (T>G on the coding strand, the complement: POLE is on the minus strand). VCF-style: chr12-132664372-A-C. GRCh37 (hg19) VCF-style: chr12-133240958-A-C.
Other names: c.2559T>G (NM_006231.2); short protein forms I853M.
Identifiers: ClinVar variation 855533 (VCV000855533.8), dbSNP rs2042745293, ClinGen allele CA387396125.

ClinVar aggregate classification (germline): Uncertain significance. Review status: criteria provided, multiple submitters, no conflicts (2 of 4 stars). 2 submissions from 2 submitters: Uncertain significance (2). Last evaluated 2026-06-13.

Conditions:
Hereditary cancer-predisposing syndrome. Also called: Tumor predisposition; Neoplastic Syndromes, Hereditary; Hereditary neoplastic syndrome; Hereditary Cancer Syndrome. Identifiers: Orphanet 140162, MedGen C0027672, MeSH D009386, MONDO:0015356.

Submissions (2):

Ambry Genetics
Classification: Uncertain significance for Hereditary cancer-predisposing syndrome. Last evaluated: 2026-06-13. Review status: criteria provided, single submitter. Criteria: Ambry Variant Classification Scheme 2023. Collection method: clinical testing. Allele origin: germline.
Comment: The p.I853M variant (also known as c.2559T>G), located in coding exon 22 of the POLE gene, results from a T to G substitution at nucleotide position 2559. The isoleucine at codon 853 is replaced by methionine, an amino acid with highly similar properties. This amino acid position is conserved. In addition, the in silico prediction for this alteration is inconclusive. Based on the available evidence, the clinical significance of this variant remains unclear.

Labcorp Genetics (formerly Invitae), Labcorp
Classification: Uncertain significance. Last evaluated: 2022-02-19. Review status: criteria provided, single submitter. Criteria: Invitae Variant Classification Sherloc (09022015). Collection method: clinical testing. Allele origin: germline.
Comment: This sequence change replaces isoleucine, which is neutral and non-polar, with methionine, which is neutral and non-polar, at codon 853 of the POLE protein (p.Ile853Met). In summary, the available evidence is currently insufficient to determine the role of this variant in disease. Therefore, it has been classified as a Variant of Uncertain Significance. Algorithms developed to predict the effect of missense changes on protein structure and function are either unavailable or do not agree on the potential impact of this missense change (SIFT: "Deleterious"; PolyPhen-2: "Probably Damaging"; Align-GVGD: "Class C0"). ClinVar contains an entry for this variant (Variation ID: 855533). This variant has not been reported in the literature in individuals affected with POLE-related conditions. This variant is not present in population databases (gnomAD no frequency).